The following is an entry in ClinVar:

ClinVar aggregate classification (germline): Uncertain significance (1 of 4 stars; one submission).

Submission:

Labcorp Genetics (formerly Invitae), Labcorp
Classification: Uncertain significance. Last evaluated: 2025-07-23. Review status: criteria provided, single submitter. Criteria: Invitae Variant Classification Sherloc (09022015). Collection method: clinical testing. Allele origin: germline.
Comment: This sequence change replaces threonine, which is neutral and polar, with proline, which is neutral and non-polar, at codon 195 of the GHSR protein (p.Thr195Pro). This variant is not present in population databases (gnomAD no frequency). This variant has not been reported in the literature in individuals affected with GHSR-related conditions. Invitae Evidence Modeling of protein sequence and biophysical properties (such as structural, functional, and spatial information, amino acid conservation, physicochemical variation, residue mobility, and thermodynamic stability) indicates that this missense variant is expected to disrupt GHSR protein function with a positive predictive value of 80%. In summary, the available evidence is currently insufficient to determine the role of this variant in disease. Therefore, it has been classified as a Variant of Uncertain Significance.

NM_198407.2(GHSR):c.583A>C (p.Thr195Pro)

Gene: GHSR (growth hormone secretagogue receptor; minus strand). Cytogenetic location: 3q26.31.
Variant type: single nucleotide variant.
Coding change: c.583A>C on transcript NM_198407.2 (MANE Select); coding-DNA position 583, A replaced by C.
Protein change: p.Thr195Pro; replaces threonine 195 with proline.
Molecular consequence: missense variant.
Genome position (GRCh38, 1-based): chr3:172,447,831, T>G on the plus strand (A>C on the coding strand, the complement: GHSR is on the minus strand). VCF-style: chr3-172447831-T-G. GRCh37 (hg19) VCF-style: chr3-172165621-T-G.
Other names: c.583A>C, p.Thr195Pro (NM_004122.2); short protein forms T195P.
Identifiers: ClinVar variation 4759685 (VCV004759685.1).
Genomic context (GRCh38, chr3:172,447,831, plus strand): 5'-ACACCATGACCGTGAGCAGTCCAGAGCGCACCGCAAACTCGGTGGGGCGGCACTCGTTGG[T>G]GTCCCAAGGGTCGGTGCCGTTCTCGTGCTCCACCCCGACTAGCACGAAGATGGGCCCGGC-3'
Protein context (NP_940799.1, residues 185-205): EHENGTDPWD[Thr195Pro]NECRPTEFAV